The following is an entry in ClinVar:

NM_000388.4(CASR):c.175G>A (p.Glu59Lys)

Gene: CASR (calcium sensing receptor; plus strand). Cytogenetic location: 3q21.1.
Variant type: single nucleotide variant.
Coding change: c.175G>A on transcript NM_000388.4 (MANE Select); coding-DNA position 175, G replaced by A.
Protein change: p.Glu59Lys; replaces glutamic acid 59 with lysine.
Molecular consequence: missense variant.
Genome position (GRCh38, 1-based): chr3:122,254,364, G>A. VCF-style: chr3-122254364-G-A. GRCh37 (hg19) VCF-style: chr3-121973211-G-A.
Other names: c.175G>A, p.Glu59Lys (NM_001178065.2); short protein forms E59K.
Identifiers: ClinVar variation 1405292 (VCV001405292.7), dbSNP rs2107625081, ClinGen allele CA354362291.

ClinVar aggregate classification (germline): Uncertain significance. Review status: criteria provided, multiple submitters, no conflicts (2 of 4 stars). 2 submissions from 2 submitters: Uncertain significance (2). Last evaluated 2025-10-01.

Conditions:
Familial hypocalciuric hypercalcemia (FHH). Also called: Familial benign hypercalcemia. Identifiers: Orphanet 405, MedGen C1809471, MONDO:0018458.
Autosomal dominant hypocalcemia 1 (HYPOC1). Also called: HYPOCALCEMIA, FAMILIAL. Identifiers: MedGen C3715128, MONDO:0011013, OMIM 601198.

Submissions (2):

Women's Health and Genetics/Laboratory Corporation of America, LabCorp
Classification: Uncertain significance. Last evaluated: 2025-10-01. Review status: criteria provided, single submitter. Criteria: LabCorp Variant Classification Summary - May 2015. Collection method: clinical testing. Allele origin: germline.
Comment: Variant summary: CASR c.175G>A (p.Glu59Lys) results in a conservative amino acid change in the encoded protein sequence. Algorithms developed to predict the effect of missense changes on protein structure and function are either unavailable or do not agree on the potential impact of this missense change. The variant was absent in 250854 control chromosomes. The available data on variant occurrences in the general population are insufficient to allow any conclusion about variant significance. c.175G>A has been observed in a family with primary hyperparathyroidism in which the variant segregated with disease in 4 affected siblings but was also found in an unaffected sibling. This report does not provide unequivocal conclusions about association of the variant with Autosomal Dominant Hypocalcemia. To our knowledge, no experimental evidence demonstrating an impact on protein function has been reported. The following publication has been ascertained in the context of this evaluation (PMID: 37810884). ClinVar contains an entry for this variant (Variation ID: 1405292). Based on the evidence outlined above, the variant was classified as uncertain significance.

Labcorp Genetics (formerly Invitae), Labcorp
Classification: Uncertain significance for Familial hypocalciuric hypercalcemia; Autosomal dominant hypocalcemia 1. Last evaluated: 2022-07-26. Review status: criteria provided, single submitter. Criteria: Invitae Variant Classification Sherloc (09022015). Collection method: clinical testing. Allele origin: germline.
Comment: This sequence change replaces glutamic acid, which is acidic and polar, with lysine, which is basic and polar, at codon 59 of the CASR protein (p.Glu59Lys). This variant is not present in population databases (gnomAD no frequency). This variant has not been reported in the literature in individuals affected with CASR-related conditions. ClinVar contains an entry for this variant (Variation ID: 1405292). Algorithms developed to predict the effect of missense changes on protein structure and function (SIFT, PolyPhen-2, Align-GVGD) all suggest that this variant is likely to be tolerated. In summary, the available evidence is currently insufficient to determine the role of this variant in disease. Therefore, it has been classified as a Variant of Uncertain Significance.

Literature cited by the submitters: PubMed 37810884 (cited by Women's Health and Genetics/Laboratory Corporation of America, LabCorp).